The following is an entry in ClinVar:

NM_005609.4(PYGM):c.527A>C (p.Gln176Pro)

Gene: PYGM (glycogen phosphorylase, muscle associated; minus strand). Cytogenetic location: 11q13.1.
Variant type: single nucleotide variant.
Coding change: c.527A>C on transcript NM_005609.4 (MANE Select); coding-DNA position 527, A replaced by C.
Protein change: p.Gln176Pro; replaces glutamine 176 with proline.
Molecular consequence: missense variant.
Genome position (GRCh38, 1-based): chr11:64,758,247, T>G on the plus strand (A>C on the coding strand, the complement: PYGM is on the minus strand). VCF-style: chr11-64758247-T-G. GRCh37 (hg19) VCF-style: chr11-64525719-T-G.
Other names: c.263A>C, p.Gln88Pro (NM_001164716.1); short protein forms Q176P, Q88P.
Identifiers: ClinVar variation 933351 (VCV000933351.11), dbSNP rs747495987, ClinGen allele CA6080231.
Genomic context (GRCh38, chr11:64,758,247, plus strand): 5'-CAAGTGGGGGTCTTCCCCATCCTGACTAGACCCCACAAGTTAGAGCCAAGGCTGCTCACC[T>G]GCCAGCCCCCGGAGATCTTCTGGTTAAAAATCCCAAACTCATAGCGAATCCCGTAGCCAT-3'
Protein context (NP_005600.1, residues 166-186): IFNQKISGGW[Gln176Pro]MEEADDWLRY

ClinVar aggregate classification (germline): Conflicting classifications of pathogenicity. Review status: criteria provided, conflicting classifications (1 of 4 stars). 4 submissions from 4 submitters: Likely pathogenic (1); Uncertain significance (2). 1 of the submissions does not count toward it. Last evaluated 2025-10-01.

Conditions:
Glycogen storage disease, type V (GSD5). Also called: MCARDLE DISEASE; MUSCLE GLYCOGEN PHOSPHORYLASE DEFICIENCY; MYOPHOSPHORYLASE DEFICIENCY; PYGM DEFICIENCY; McArdle type glycogen storage disease. Identifiers: Orphanet 368, MedGen C0017924, MONDO:0009293, OMIM 232600.

Allele frequency attached by ClinVar (database versions not stated): gnomAD exomes 0.00001; ExAC 0.00002; gnomAD 0.00003; TOPMed 0.00005.
gnomAD v4.1: 8 of 1,610,944 alleles (0.0005%); highest among the groups gnomAD compares: African/African-American, 0.0093%; no homozygotes.

Submissions (4):

Labcorp Genetics (formerly Invitae), Labcorp
Classification: Likely pathogenic for Glycogen storage disease, type V. Last evaluated: 2025-10-01. Review status: criteria provided, single submitter. Criteria: Invitae Variant Classification Sherloc (09022015). Collection method: clinical testing. Allele origin: germline.
Comment: This sequence change replaces glutamine, which is neutral and polar, with proline, which is neutral and non-polar, at codon 176 of the PYGM protein (p.Gln176Pro). This variant is present in population databases (rs747495987, gnomAD 0.01%). This missense change has been observed in individuals with clinical features of PYGM-related conditions (PMID: 29143597; internal data). ClinVar contains an entry for this variant (Variation ID: 933351). Invitae Evidence Modeling of protein sequence and biophysical properties (such as structural, functional, and spatial information, amino acid conservation, physicochemical variation, residue mobility, and thermodynamic stability) indicates that this missense variant is expected to disrupt PYGM protein function with a positive predictive value of 95%. In summary, the currently available evidence indicates that the variant is pathogenic, but additional data are needed to prove that conclusively. Therefore, this variant has been classified as Likely Pathogenic.

Myriad Genetics, Inc.
Classification: Uncertain significance for Glycogen storage disease, type V. Last evaluated: 2025-08-11. Review status: criteria provided, single submitter. Criteria: Myriad Autosomal Dominant, Autosomal Recessive and X-Linked Classification Criteria (2023). Collection method: clinical testing. Allele origin: unknown.
Comment: NM_005609.2(PYGM):c.527A>C(Q176P) is a missense variant classified as a variant of uncertain significance in the context of glycogen storage disease, PYGM-related. Q176P has been observed in cases with relevant disease (PMID: 29143597, 32735634). Relevant functional assessments of this variant are not available in the literature. Q176P has been observed in referenced population frequency databases. In summary, there is insufficient evidence to classify NM_005609.2(PYGM):c.527A>C(Q176P) as pathogenic or benign. Please note: this variant was assessed in the context of healthy population screening.

Women's Health and Genetics/Laboratory Corporation of America, LabCorp
Classification: Uncertain significance. Last evaluated: 2024-08-08. Review status: criteria provided, single submitter. Criteria: LabCorp Variant Classification Summary - May 2015. Collection method: clinical testing. Allele origin: germline.
Comment: Variant summary: PYGM c.527A>C (p.Gln176Pro) results in a non-conservative amino acid change in the encoded protein sequence. Five of five in-silico tools predict a damaging effect of the variant on protein function. Consensus agreement among computation tools predict no significant impact on normal splicing. However, these predictions have yet to be confirmed by functional studies. The variant allele was found at a frequency of 1.2e-05 in 251446 control chromosomes. The available data on variant occurrences in the general population are insufficient to allow any conclusion about variant significance. c.527A>C has been reported in the literature in individuals affected with Glycogen Storage Disease, Type V (Santalla_2017, Carvalho_2020). These data do not allow any conclusion about variant significance. To our knowledge, no experimental evidence demonstrating an impact on protein function has been reported. The following publications have been ascertained in the context of this evaluation (PMID: 32735634, 29143597). ClinVar contains an entry for this variant (Variation ID: 933351). Based on the evidence outlined above, the variant was classified as uncertain significance.

Natera, Inc.
Classification: Uncertain significance for Glycogen storage disease V. Last evaluated: 2021-06-30. Review status: no assertion criteria provided. Collection method: clinical testing. Allele origin: germline. Not counted in ClinVar's aggregate classification.

Literature cited by the submitters: PubMed 29143597 (cited by 3 submitters); PubMed 32735634 (cited by Myriad Genetics, Inc. and Women's Health and Genetics/Laboratory Corporation of America, LabCorp).